The following is an entry in ClinVar:

NM_001734.5(C1S):c.609A>G (p.Glu203=)

Gene: C1S (complement C1s; plus strand). Cytogenetic location: 12p13.31.
Variant type: single nucleotide variant.
Coding change: c.609A>G on transcript NM_001734.5 (MANE Select); coding-DNA position 609, A replaced by G.
Protein change: p.Glu203=; no amino-acid change (glutamic acid 203 retained).
Molecular consequence: synonymous variant.
Genome position (GRCh38, 1-based): chr12:7,065,191, A>G. VCF-style: chr12-7065191-A-G. GRCh37 (hg19) VCF-style: chr12-7172495-A-G.
Other names: c.108A>G, p.Glu36= (NM_001346850.2); c.609A>G, p.Glu203= (NM_201442.4).
Identifiers: ClinVar variation 741814 (VCV000741814.14), dbSNP rs143959124, ClinGen allele CA6423507.

ClinVar aggregate classification (germline): Likely benign. Review status: criteria provided, multiple submitters, no conflicts (2 of 4 stars). 4 submissions from 4 submitters: Likely benign (4). Last evaluated 2026-03-01.

Allele frequency attached by ClinVar (database versions not stated): ExAC 0.00007; gnomAD exomes 0.00009 and 0.00038; ESP Exome Variant Server 0.00015; gnomAD 0.00015 and 0.00016; TOPMed 0.00019.
gnomAD v4.1: 605 of 1,613,938 alleles (0.037%); highest among the groups gnomAD compares: Non-Finnish European, 0.047%; no homozygotes.

Submissions (4):

CeGaT Center for Human Genetics Tuebingen
Classification: Likely benign. Last evaluated: 2026-03-01. Review status: criteria provided, single submitter. Criteria: CeGaT Center For Human Genetics Tuebingen Variant Classification Criteria Version 2. Collection method: clinical testing. Allele origin: germline. Affected: yes. Observed: 1 variant allele.
Comment: C1S: BP4, BP7

Labcorp Genetics (formerly Invitae), Labcorp
Classification: Likely benign. Last evaluated: 2026-01-26. Review status: criteria provided, single submitter. Criteria: Invitae Variant Classification Sherloc (09022015). Collection method: clinical testing. Allele origin: germline.

Women's Health and Genetics/Laboratory Corporation of America, LabCorp
Classification: Likely benign. Last evaluated: 2025-06-05. Review status: criteria provided, single submitter. Criteria: LabCorp Variant Classification Summary - May 2015. Collection method: clinical testing. Allele origin: germline.

Blueprint Genetics
Classification: Likely benign. Last evaluated: 2024-11-20. Review status: criteria provided, single submitter. Criteria: ACMG Guidelines, 2015. Collection method: clinical testing. Allele origin: germline.